The following is an entry in ClinVar:

NM_001386298.1(CIC):c.4116T>G (p.Ile1372Met)

Gene: CIC (capicua transcriptional repressor; plus strand). Cytogenetic location: 19q13.2.
Variant type: single nucleotide variant.
Coding change: c.4116T>G on transcript NM_001386298.1 (MANE Select); coding-DNA position 4116, T replaced by G.
Protein change: p.Ile1372Met; replaces isoleucine 1372 with methionine.
Molecular consequence: missense variant.
Genome position (GRCh38, 1-based): chr19:42,289,876, T>G. VCF-style: chr19-42289876-T-G. GRCh37 (hg19) VCF-style: chr19-42794028-T-G.
Other names: c.4116T>G, p.Ile1372Met (NM_001304815.2, NM_001379480.1, NM_001379482.1 and 6 more transcripts); c.1389T>G, p.Ile463Met (NM_001379484.1, NM_001379485.1, NM_001439189.1 and 3 more transcripts); short protein forms I1372M, I463M.
Identifiers: ClinVar variation 4997256 (VCV004997256.1).
Genomic context (GRCh38, chr19:42,289,876, plus strand): 5'-CCCTCCCCATACTGTTCCCTCCACTCCCTCAGCTGACGATGGCTTCGGCACCACTGACAT[T>G]GATCTCAAGTGCAAGGAGCGGGTGACCGACAGCGAGAGTGGGGACAGCTCTGGGGAGGAC-3'
Protein context (NP_001373227.1, residues 1362-1382): IADDGFGTTD[Ile1372Met]DLKCKERVTD

ClinVar aggregate classification (germline): Uncertain significance (1 of 4 stars; one submission).

Conditions:
CIC-related disorder. Also called: CIC-related condition.

Submission:

PreventionGenetics, part of Exact Sciences
Classification: Uncertain significance for CIC-related condition. Last evaluated: 2024-10-03. Review status: criteria provided, single submitter. Criteria: ACMG Guidelines, 2015. Collection method: clinical testing. Allele origin: germline.
Comment: The CIC c.1389T>G variant is predicted to result in the amino acid substitution p.Ile463Met. To our knowledge, this variant has not been reported in the literature or in a large population database (gnomAD), indicating this variant is rare. At this time, the clinical significance of this variant is uncertain due to the absence of conclusive functional and genetic evidence.